The following is an entry in ClinVar:

NM_004415.4(DSP):c.8590T>C (p.Phe2864Leu)

Gene: DSP (desmoplakin; plus strand). Cytogenetic location: 6p24.3.
Variant type: single nucleotide variant.
Coding change: c.8590T>C on transcript NM_004415.4 (MANE Select); coding-DNA position 8590, T replaced by C.
Protein change: p.Phe2864Leu; replaces phenylalanine 2864 with leucine.
Molecular consequence: missense variant.
Genome position (GRCh38, 1-based): chr6:7,585,852, T>C. VCF-style: chr6-7585852-T-C. GRCh37 (hg19) VCF-style: chr6-7586085-T-C.
Other names: c.6793T>C, p.Phe2265Leu (NM_001008844.3); c.7261T>C, p.Phe2421Leu (NM_001319034.2); c.8590T>C (NM_004415.3); short protein forms F2421L, F2864L, F2265L.
Identifiers: ClinVar variation 922465 (VCV000922465.21), dbSNP rs764514210, ClinGen allele CA052847.
Genomic context (GRCh38, chr6:7,585,852, plus strand): 5'-GGGTCCCGGAGAGGAAGCTTTGACGCCACAGGGAATTCTTCCTACTCTTATTCCTACTCA[T>C]TTAGCAGTAGTTCTATTGGGCACTAGTAGTCAGTTGGGAGTGGTTGCTATACCTTGACTT-3'
Protein context (NP_004406.2, residues 2854-2871): GNSSYSYSYS[Phe2864Leu]SSSSIGH

ClinVar aggregate classification (germline): Conflicting classifications of pathogenicity. Review status: criteria provided, conflicting classifications (1 of 4 stars). 8 submissions from 8 submitters: Uncertain significance (7); Likely benign (1). Last evaluated 2025-12-20.

Conditions:
Cardiovascular phenotype. Identifiers: MedGen CN230736.
Cardiomyopathy, dilated, with wooly hair, keratoderma, and tooth agenesis. Also called: Cardiomyopathy, dilated, with woolly hair, keratoderma, and tooth agenesis; Erythrokeratodermia-cardiomyopathy syndrome. Identifiers: Orphanet 476096, Orphanet 65282, MedGen C4014393, MONDO:0014355, OMIM 615821.
Arrhythmogenic cardiomyopathy with wooly hair and keratoderma. Also called: PALMOPLANTAR KERATODERMA WITH LEFT VENTRICULAR CARDIOMYOPATHY AND WOOLLY HAIR; Carvajal syndrome; Dilated cardiomyopathy with woolly hair and keratoderma; Arrhythmogenic cardiomyopathy with woolly hair and keratoderma. Identifiers: Orphanet 65282, MedGen C1854063, MONDO:0011581, OMIM 605676.
Keratosis palmoplantaris striata 2. Also called: KERATODERMA, PALMOPLANTAR, STRIATE FORM II; STRIATE PALMOPLANTAR KERATODERMA II; Keratosis palmoplantaris striata II. Identifiers: MedGen C1852127, MONDO:0013034, OMIM 612908.
Arrhythmogenic right ventricular dysplasia 8 (ARVD8). Also called: Arrhythmogenic Right Ventricular Dysplasia/Cardiomyopathy 8; ARRHYTHMOGENIC RIGHT VENTRICULAR CARDIOMYOPATHY 8; ARRHYTHMOGENIC RIGHT VENTRICULAR DYSPLASIA, FAMILIAL, 8. Identifiers: MedGen C1843896, MONDO:0011831, OMIM 607450.
Woolly hair-skin fragility syndrome (WHSF). Identifiers: Orphanet 293165, MedGen C1843292, MONDO:0957307, OMIM 620415.
Lethal acantholytic epidermolysis bullosa (EBLA). Identifiers: Orphanet 158687, MedGen C1864826, MONDO:0012323, OMIM 609638.
Cardiomyopathy (CMYO). Also called: Cardiomyopathies. Identifiers: Orphanet 167848, MedGen C0878544, MONDO:0004994, HP:0001638. Inheritance: Various modes of inheritance.
DSP-related disorder. Also called: DSP-related condition; DSP-related disorders.

Allele frequency attached by ClinVar (database versions not stated): gnomAD exomes 0.00002; ExAC 0.00003; gnomAD 0.00004; TOPMed 0.00005.
gnomAD v4.1: 38 of 1,613,982 alleles (0.0024%); highest among the groups gnomAD compares: Middle Eastern, 0.082%; no homozygotes.

Submissions (8):

Labcorp Genetics (formerly Invitae), Labcorp
Classification: Likely benign for Arrhythmogenic cardiomyopathy with wooly hair and keratoderma; Arrhythmogenic right ventricular dysplasia 8. Last evaluated: 2025-12-20. Review status: criteria provided, single submitter. Criteria: Invitae Variant Classification Sherloc (09022015). Collection method: clinical testing. Allele origin: germline.

PreventionGenetics, part of Exact Sciences
Classification: Uncertain significance for DSP-related condition. Last evaluated: 2025-06-06. Review status: criteria provided, single submitter. Criteria: ACMG Guidelines, 2015. Collection method: clinical testing. Allele origin: germline.
Comment: The DSP c.8590T>C variant is predicted to result in the amino acid substitution p.Phe2864Leu. To our knowledge, this variant has not been reported in the literature. This variant is reported in 0.013% of alleles in individuals of African descent in gnomAD. At this time, the clinical significance of this variant is uncertain due to the absence of conclusive functional and genetic evidence.

Ambry Genetics
Classification: Uncertain significance for Cardiovascular phenotype. Last evaluated: 2024-09-25. Review status: criteria provided, single submitter. Criteria: Ambry Variant Classification Scheme 2023. Collection method: clinical testing. Allele origin: germline.
Comment: The p.F2864L variant (also known as c.8590T>C), located in coding exon 24 of the DSP gene, results from a T to C substitution at nucleotide position 8590. The phenylalanine at codon 2864 is replaced by leucine, an amino acid with highly similar properties. This amino acid position is not well conserved in available vertebrate species. In addition, this alteration is predicted to be tolerated by in silico analysis. Based on the available evidence, the clinical significance of this variant remains unclear.

All of Us Research Program, National Institutes of Health
Classification: Uncertain significance for Arrhythmogenic cardiomyopathy with wooly hair and keratoderma. Last evaluated: 2024-09-23. Review status: criteria provided, single submitter. Criteria: ACMG Guidelines, 2015. Collection method: clinical testing. Allele origin: germline. Inheritance: Autosomal dominant inheritance. Observed: 14 variant alleles, 14 heterozygotes.
Comment: This missense variant replaces phenylalanine with leucine at codon 2864 of the DSP protein. Computational prediction suggests that this variant may not impact protein structure and function (internally defined REVEL score threshold <= 0.5, PMID: 27666373). To our knowledge, functional studies have not been reported for this variant. This variant has not been reported in individuals affected with DSP-related disorders in the literature. This variant has been identified in 4/250024 chromosomes in the general population by the Genome Aggregation Database (gnomAD). The available evidence is insufficient to determine the role of this variant in disease conclusively. Therefore, this variant is classified as a Variant of Uncertain Significance.

This study involves interpretation of variants in research participants for the purpose of population health screening. Participant phenotype was not available at the time of variant classification. Additional details can be found in publication PMID: 35346344, PMCID: PMC8962531

Color Diagnostics, LLC DBA Color Health
Classification: Uncertain significance for Cardiomyopathy. Last evaluated: 2024-05-03. Review status: criteria provided, single submitter. Criteria: ACMG Guidelines, 2015. Collection method: clinical testing. Allele origin: germline.
Comment: This missense variant replaces phenylalanine with leucine at codon 2864 of the DSP protein. Computational prediction suggests that this variant may not impact protein structure and function (internally defined REVEL score threshold <= 0.5, PMID: 27666373). To our knowledge, functional studies have not been reported for this variant. This variant has not been reported in individuals affected with DSP-related disorders in the literature. This variant has been identified in 4/250024 chromosomes in the general population by the Genome Aggregation Database (gnomAD). The available evidence is insufficient to determine the role of this variant in disease conclusively. Therefore, this variant is classified as a Variant of Uncertain Significance.

Blueprint Genetics
Classification: Uncertain significance. Last evaluated: 2024-03-06. Review status: criteria provided, single submitter. Criteria: ACMG Guidelines, 2015. Collection method: clinical testing. Allele origin: germline.

Fulgent Genetics
Classification: Uncertain significance for Arrhythmogenic cardiomyopathy with wooly hair and keratoderma; Arrhythmogenic right ventricular dysplasia 8; Lethal acantholytic epidermolysis bullosa; Keratosis palmoplantaris striata 2; Cardiomyopathy, dilated, with wooly hair, keratoderma, and tooth agenesis. Last evaluated: 2021-10-25. Review status: criteria provided, single submitter. Criteria: ACMG Guidelines, 2015. Collection method: clinical testing. Allele origin: unknown.

Breakthrough Genomics
Classification: Uncertain significance. Review status: criteria provided, single submitter. Criteria: ACMG Guidelines, 2015. Collection method: not provided. Allele origin: germline. Inheritance: Autosomal recessive inheritance. Affected: yes.